The following is an entry in ClinVar:

ClinVar aggregate classification (germline): Pathogenic/Likely pathogenic. Review status: criteria provided, multiple submitters, no conflicts (2 of 4 stars). 2 submissions from 2 submitters: Pathogenic (1); Likely pathogenic (1). Last evaluated 2026-01-12.

Conditions:
Developmental and epileptic encephalopathy, 1 (DEE1). Also called: OHTAHARA SYNDROME, X-LINKED; Epileptic encephalopathy, early infantile, 1; INFANTILE SPASM SYNDROME, X-LINKED 1; X-linked infantile spasms; West's syndrome; Tonic spasms with clustering, arrest of psychomotor development and hypsarrhythmia on EEG. Identifiers: MedGen C3463992, MONDO:0010632, OMIM 308350. Disease mechanism: loss of function.
Autosomal recessive spinocerebellar ataxia 12. Also called: SPINOCEREBELLAR ATAXIA WITH MENTAL RETARDATION AND EPILEPSY. Identifiers: Orphanet 284282, MedGen C3280452, MONDO:0013687, OMIM 614322.

Submissions (2):

Labcorp Genetics (formerly Invitae), Labcorp
Classification: Likely pathogenic for Developmental and epileptic encephalopathy, 1; Autosomal recessive spinocerebellar ataxia 12. Last evaluated: 2026-01-12. Review status: criteria provided, single submitter. Criteria: Invitae Variant Classification Sherloc (09022015). Collection method: clinical testing. Allele origin: germline.
Comment: This sequence change affects an acceptor splice site in intron 4 of the WWOX gene. It is expected to disrupt RNA splicing. Variants that disrupt the donor or acceptor splice site typically lead to a loss of protein function (PMID: 16199547), and loss-of-function variants in WWOX are known to be pathogenic (PMID: 24456803, 25411445). This variant is not present in population databases (gnomAD no frequency). This variant has not been reported in the literature in individuals affected with WWOX-related conditions. ClinVar contains an entry for this variant (Variation ID: 265596). Algorithms developed to predict the effect of sequence changes on RNA splicing suggest that this variant may disrupt the consensus splice site. In summary, the currently available evidence indicates that the variant is pathogenic, but additional data are needed to prove that conclusively. Therefore, this variant has been classified as Likely Pathogenic.

GeneDx
Classification: Pathogenic. Last evaluated: 2022-12-15. Review status: criteria provided, single submitter. Criteria: GeneDx Variant Classification Process June 2021. Collection method: clinical testing. Allele origin: germline. Affected: yes.
Comment: Canonical splice site variant predicted to result in a null allele in a gene for which loss of function is a known mechanism of disease; Not observed at significant frequency in large population cohorts (gnomAD); Has not been previously published as pathogenic or benign to our knowledge

Literature cited by the submitters: PubMed 16199547 (cited by Labcorp Genetics (formerly Invitae), Labcorp); PubMed 24456803 (cited by Labcorp Genetics (formerly Invitae), Labcorp); PubMed 25411445 (cited by Labcorp Genetics (formerly Invitae), Labcorp).

NM_016373.4(WWOX):c.410-1G>A

Gene: WWOX (WW domain containing oxidoreductase; plus strand). Cytogenetic location: 16q23.1.
Variant type: single nucleotide variant.
Coding change: c.410-1G>A on transcript NM_016373.4 (MANE Select); the canonical splice acceptor site of the intron before coding-DNA position 410, G replaced by A.
Molecular consequence: splice acceptor variant.
Genome position (GRCh38, 1-based): chr16:78,164,182, G>A. VCF-style: chr16-78164182-G-A. GRCh37 (hg19) VCF-style: chr16-78198079-G-A.
Other names: c.71-1G>A (NM_001291997.2); c.410-1G>A (NM_130791.5).
Identifiers: ClinVar variation 265596 (VCV000265596.4), dbSNP rs886039653, ClinGen allele CA10588626.